The following is an entry in ClinVar:

NM_181836.6(TMED7):c.419G>A (p.Arg140Gln)

Genes: TMED7 (transmembrane p24 trafficking protein 7; minus strand), TMED7-TICAM2 (TMED7-TICAM2 readthrough; minus strand). Cytogenetic location: 5q22.3.
Variant type: single nucleotide variant.
Coding change: c.419G>A on transcript NM_181836.6 (MANE Select); coding-DNA position 419, G replaced by A.
Protein change: p.Arg140Gln; replaces arginine 140 with glutamine.
Molecular consequence: missense variant.
Genome position (GRCh38, 1-based): chr5:115,620,454, C>T on the plus strand (G>A on the coding strand, the complement: TMED7 is on the minus strand). VCF-style: chr5-115620454-C-T. GRCh37 (hg19) VCF-style: chr5-114956151-C-T.
Other names: c.419G>A, p.Arg140Gln (NM_001164468.4, NM_001164469.4); short protein forms R140Q.
Identifiers: ClinVar variation 1906631 (VCV001906631.5), dbSNP rs781282538, ClinGen allele CA125799979.

ClinVar aggregate classification (germline): Uncertain significance (1 of 4 stars; one submission).

Allele frequency attached by ClinVar (database versions not stated): TOPMed 0.00001.

Submission:

Labcorp Genetics (formerly Invitae), Labcorp
Classification: Uncertain significance. Last evaluated: 2024-02-02. Review status: criteria provided, single submitter. Criteria: Invitae Variant Classification Sherloc (09022015). Collection method: clinical testing. Allele origin: germline.
Comment: This sequence change replaces arginine, which is basic and polar, with glutamine, which is neutral and polar, at codon 140 of the TMED7 protein (p.Arg140Gln). This variant is present in population databases (no rsID available, gnomAD 0.002%). This variant has not been reported in the literature in individuals affected with TMED7-related conditions. ClinVar contains an entry for this variant (Variation ID: 1906631). An algorithm developed to predict the effect of missense changes on protein structure and function (PolyPhen-2) suggests that this variant is likely to be disruptive. In summary, the available evidence is currently insufficient to determine the role of this variant in disease. Therefore, it has been classified as a Variant of Uncertain Significance.